The following is an entry in ClinVar:

ClinVar aggregate classification (germline): Uncertain significance (1 of 4 stars; one submission).

Allele frequency attached by ClinVar (database versions not stated): gnomAD exomes below 0.00001.
gnomAD v4.1: 2 of 1,614,186 alleles (0.00012%); highest among the groups gnomAD compares: East Asian, 0.0045%; no homozygotes.

Submission:

Ambry Genetics
Classification: Uncertain significance. Last evaluated: 2022-03-02. Review status: criteria provided, single submitter. Criteria: Ambry Variant Classification Scheme 2023. Collection method: clinical testing. Allele origin: germline.
Comment: The p.N893S variant (also known as c.2678A>G), located in coding exon 13 of the NPAT gene, results from an A to G substitution at nucleotide position 2678. The asparagine at codon 893 is replaced by serine, an amino acid with highly similar properties. This amino acid position is conserved. In addition, this alteration is predicted to be tolerated by in silico analysis. Since supporting evidence is limited at this time, the clinical significance of this alteration remains unclear.

NM_002519.3(NPAT):c.2678A>G (p.Asn893Ser)

Gene: NPAT (nuclear protein, coactivator of histone transcription; minus strand). Cytogenetic location: 11q22.3.
Variant type: single nucleotide variant.
Coding change: c.2678A>G on transcript NM_002519.3 (MANE Select); coding-DNA position 2678, A replaced by G.
Protein change: p.Asn893Ser; replaces asparagine 893 with serine.
Molecular consequence: missense variant.
Genome position (GRCh38, 1-based): chr11:108,172,306, T>C on the plus strand (A>G on the coding strand, the complement: NPAT is on the minus strand). VCF-style: chr11-108172306-T-C. GRCh37 (hg19) VCF-style: chr11-108043033-T-C.
Other names: c.2678A>G, p.Asn893Ser (NM_001321307.1); short protein forms N893S.
Identifiers: ClinVar variation 1794623 (VCV001794623.2), dbSNP rs1420709809, ClinGen allele CA382512466.